The following is an entry in ClinVar:

ClinVar aggregate classification (germline): Uncertain significance (1 of 4 stars; one submission).

Submission:

GeneDx
Classification: Uncertain significance. Last evaluated: 2024-07-02. Review status: criteria provided, single submitter. Criteria: GeneDx Variant Classification Process June 2021. Collection method: clinical testing. Allele origin: germline. Affected: yes.
Comment: Not observed at significant frequency in large population cohorts (gnomAD); In silico analysis supports that this missense variant has a deleterious effect on protein structure/function; Has not been previously published as pathogenic or benign to our knowledge

NM_170606.3(KMT2C):c.7865A>T (p.His2622Leu)

Gene: KMT2C (lysine methyltransferase 2C; minus strand). Cytogenetic location: 7q36.1.
Variant type: single nucleotide variant.
Coding change: c.7865A>T on transcript NM_170606.3 (MANE Select); coding-DNA position 7865, A replaced by T.
Protein change: p.His2622Leu; replaces histidine 2622 with leucine.
Molecular consequence: missense variant.
Genome position (GRCh38, 1-based): chr7:152,177,588, T>A on the plus strand (A>T on the coding strand, the complement: KMT2C is on the minus strand). VCF-style: chr7-152177588-T-A. GRCh37 (hg19) VCF-style: chr7-151874673-T-A.
Other names: short protein forms H2622L.
Identifiers: ClinVar variation 3393843 (VCV003393843.1).